The following is an entry in ClinVar:

NM_001393769.1(MED12L):c.3668A>T (p.Asp1223Val)

Genes: MED12L (mediator complex subunit 12L; plus strand), P2RY12 (purinergic receptor P2Y12; minus strand). Cytogenetic location: 3q25.1.
Variant type: single nucleotide variant.
Coding change: c.3668A>T on transcript NM_001393769.1 (MANE Select); coding-DNA position 3668, A replaced by T.
Protein change: p.Asp1223Val; replaces aspartic acid 1223 with valine.
Molecular consequence: missense variant. On other transcripts: intron variant (1).
Genome position (GRCh38, 1-based): chr3:151,372,570, A>T. VCF-style: chr3-151372570-A-T. GRCh37 (hg19) VCF-style: chr3-151090358-A-T.
Other names: c.3563A>T, p.Asp1188Val (NM_053002.6); c.-180+12122T>A (NM_022788.5); short protein forms D1188V, D1223V.
Identifiers: ClinVar variation 3900087 (VCV003900087.1).

ClinVar aggregate classification (germline): Uncertain significance (1 of 4 stars; one submission).

Submission:

GeneDx
Classification: Uncertain significance. Last evaluated: 2024-11-21. Review status: criteria provided, single submitter. Criteria: GeneDx Variant Classification Process June 2021. Collection method: clinical testing. Allele origin: germline. Affected: yes.
Comment: Not observed at significant frequency in large population cohorts (gnomAD); In silico analysis supports that this missense variant has a deleterious effect on protein structure/function; Has not been previously published as pathogenic or benign to our knowledge